The following is an entry in ClinVar:

NM_000238.4(KCNH2):c.269A>G (p.Glu90Gly)

Gene: KCNH2 (potassium voltage-gated channel subfamily H member 2; minus strand). Cytogenetic location: 7q36.1.
Variant type: single nucleotide variant.
Coding change: c.269A>G on transcript NM_000238.4 (MANE Select); coding-DNA position 269, A replaced by G.
Protein change: p.Glu90Gly; replaces glutamic acid 90 with glycine.
Molecular consequence: missense variant.
Genome position (GRCh38, 1-based): chr7:150,974,749, T>C on the plus strand (A>G on the coding strand, the complement: KCNH2 is on the minus strand). VCF-style: chr7-150974749-T-C. GRCh37 (hg19) VCF-style: chr7-150671837-T-C.
Other names: c.92A>G, p.Glu31Gly (NM_001406755.1); c.269A>G, p.Glu90Gly (NM_172056.3); short protein forms E31G, E90G.
Identifiers: ClinVar variation 2112127 (VCV002112127.4), dbSNP rs2486155370, ClinGen allele CA369865405.

ClinVar aggregate classification (germline): Uncertain significance (1 of 4 stars; one submission).

Conditions:
Long QT syndrome (LQTS). Identifiers: MedGen C0023976, MeSH D008133, MONDO:0002442. Disease mechanism: loss of function. Inheritance: Various modes of inheritance.

Submission:

Labcorp Genetics (formerly Invitae), Labcorp
Classification: Uncertain significance for Long QT syndrome. Last evaluated: 2022-04-12. Review status: criteria provided, single submitter. Criteria: Invitae Variant Classification Sherloc (09022015). Collection method: clinical testing. Allele origin: germline.
Comment: In summary, the available evidence is currently insufficient to determine the role of this variant in disease. Therefore, it has been classified as a Variant of Uncertain Significance. Algorithms developed to predict the effect of missense changes on protein structure and function are either unavailable or do not agree on the potential impact of this missense change (SIFT: "Deleterious"; PolyPhen-2: "Benign"; Align-GVGD: "Class C0"). This variant has not been reported in the literature in individuals affected with KCNH2-related conditions. This variant is not present in population databases (gnomAD no frequency). This sequence change replaces glutamic acid, which is acidic and polar, with glycine, which is neutral and non-polar, at codon 90 of the KCNH2 protein (p.Glu90Gly).